The following is an entry in ClinVar:

NM_002489.4(NDUFA4):c.-7C>T

Gene: NDUFA4 (NDUFA4 mitochondrial complex associated; minus strand). Cytogenetic location: 7p21.3.
Variant type: single nucleotide variant.
Coding change: c.-7C>T on transcript NM_002489.4 (MANE Select); 7 bases upstream of the start codon, C replaced by T.
Molecular consequence: 5 prime UTR variant.
Genome position (GRCh38, 1-based): chr7:10,940,064, G>A on the plus strand (C>T on the coding strand, the complement: NDUFA4 is on the minus strand). VCF-style: chr7-10940064-G-A. GRCh37 (hg19) VCF-style: chr7-10979691-G-A.
Identifiers: ClinVar variation 380557 (VCV000380557.3), dbSNP rs115234096, ClinGen allele CA4162666.

ClinVar aggregate classification (germline): Likely benign. Review status: criteria provided, single submitter (1 of 4 stars). 2 submissions from 2 submitters: Likely benign (1). 1 of the submissions does not count toward it. Last evaluated 2017-04-13.

Conditions:
NDUFA4-related disorder. Also called: NDUFA4-related condition.

Allele frequency attached by ClinVar (database versions not stated): ExAC 0.00222; gnomAD 0.00675 and 0.00736; ESP Exome Variant Server 0.00753; 1000 Genomes Project 0.00799; TOPMed 0.00807; 1000 Genomes Project 30x 0.00890.
gnomAD v4.1: 2,056 of 1,613,568 alleles (0.13%); highest among the groups gnomAD compares: African/African-American, 2.4%; 20 homozygotes.

Submissions (2):

GeneDx
Classification: Likely benign. Last evaluated: 2017-04-13. Review status: criteria provided, single submitter. Criteria: GeneDx Variant Classification (06012015). Collection method: clinical testing. Allele origin: germline. Affected: yes.
Comment: This variant is considered likely benign or benign based on one or more of the following criteria: it is a conservative change, it occurs at a poorly conserved position in the protein, it is predicted to be benign by multiple in silico algorithms, and/or has population frequency not consistent with disease.

PreventionGenetics, part of Exact Sciences
Classification: Benign for NDUFA4-related condition. Last evaluated: 2023-08-16. Review status: no assertion criteria provided. Collection method: clinical testing. Allele origin: germline. Not counted in ClinVar's aggregate classification.
Comment: This variant is classified as benign based on ACMG/AMP sequence variant interpretation guidelines (Richards et al. 2015 PMID: 25741868, with internal and published modifications).